The following is an entry in ClinVar:

NM_022042.4(SLC26A1):c.283G>T (p.Gly95Trp)

Genes: IDUA (alpha-L-iduronidase; plus strand), SLC26A1 (solute carrier family 26 member 1; minus strand). Cytogenetic location: 4p16.3.
Variant type: single nucleotide variant.
Coding change: c.283G>T on transcript NM_022042.4 (MANE Select); coding-DNA position 283, G replaced by T.
Protein change: p.Gly95Trp; replaces glycine 95 with tryptophan.
Molecular consequence: missense variant. On other transcripts: intron variant (1).
Genome position (GRCh38, 1-based): chr4:991,421, C>A on the plus strand (G>T on the coding strand, the complement: SLC26A1 is on the minus strand). VCF-style: chr4-991421-C-A. GRCh37 (hg19) VCF-style: chr4-985209-C-A.
Other names: c.283G>T, p.Gly95Trp (NM_134425.4, NM_213613.4); c.299+3472C>A (NM_000203.5); short protein forms G95W.
Identifiers: ClinVar variation 1013783 (VCV001013783.9), dbSNP rs777205197, ClinGen allele CA355958191.

ClinVar aggregate classification (germline): Uncertain significance (1 of 4 stars; one submission).

gnomAD v4.1: 3 of 1,612,810 alleles (0.00019%); highest among the groups gnomAD compares: Non-Finnish European, 0.00025%; no homozygotes.

Submission:

Labcorp Genetics (formerly Invitae), Labcorp
Classification: Uncertain significance. Last evaluated: 2020-02-07. Review status: criteria provided, single submitter. Criteria: Invitae Variant Classification Sherloc (09022015). Collection method: clinical testing. Allele origin: germline.
Comment: In summary, the available evidence is currently insufficient to determine the role of this variant in disease. Therefore, it has been classified as a Variant of Uncertain Significance. Algorithms developed to predict the effect of missense changes on protein structure and function (SIFT, PolyPhen-2, Align-GVGD) all suggest that this variant is likely to be disruptive, but these predictions have not been confirmed by published functional studies and their clinical significance is uncertain. This variant has not been reported in the literature in individuals with SLC26A1-related conditions. This variant is not present in population databases (ExAC no frequency). This sequence change replaces glycine with tryptophan at codon 95 of the SLC26A1 protein (p.Gly95Trp). The glycine residue is highly conserved and there is a large physicochemical difference between glycine and tryptophan.